The following is an entry in ClinVar:

NM_033409.4(SLC52A3):c.706G>A (p.Val236Met)

Gene: SLC52A3 (solute carrier family 52 member 3; minus strand). Cytogenetic location: 20p13.
Variant type: single nucleotide variant.
Coding change: c.706G>A on transcript NM_033409.4 (MANE Select); coding-DNA position 706, G replaced by A.
Protein change: p.Val236Met; replaces valine 236 with methionine.
Molecular consequence: missense variant.
Genome position (GRCh38, 1-based): chr20:763,865, C>T on the plus strand (G>A on the coding strand, the complement: SLC52A3 is on the minus strand). VCF-style: chr20-763865-C-T. GRCh37 (hg19) VCF-style: chr20-744509-C-T.
Other names: p.Val236Met; c.706G>A, p.Val236Met (NM_001370085.1, NM_001370086.1); short protein forms V236M.
Identifiers: ClinVar variation 654493 (VCV000654493.11), dbSNP rs927297761, ClinGen allele CA310677361.

ClinVar aggregate classification (germline): Uncertain significance. Review status: criteria provided, multiple submitters, no conflicts (2 of 4 stars). 3 submissions from 3 submitters: Uncertain significance (3). Last evaluated 2026-01-12.

Conditions:
Inborn genetic diseases. Identifiers: MedGen C0950123, MeSH D030342.
Brown-Vialetto-van Laere syndrome 1. Also called: BROWN-VIALETTO-VAN LAERE SYNDROME 1, MILD; BULBAR PALSY, PROGRESSIVE, WITH SENSORINEURAL DEAFNESS; PONTOBULBAR PALSY WITH DEAFNESS. Identifiers: Orphanet 572550, Orphanet 97229, MedGen C0796274, MONDO:0024537, OMIM 211530.

Allele frequency attached by ClinVar (database versions not stated): gnomAD exomes below 0.00001 and 0.00002; TOPMed 0.00002; gnomAD 0.00003.
gnomAD v4.1: 37 of 1,614,082 alleles (0.0023%); highest among the groups gnomAD compares: African/African-American, 0.004%; no homozygotes.

Submissions (3):

Labcorp Genetics (formerly Invitae), Labcorp
Classification: Uncertain significance for Brown-Vialetto-van Laere syndrome 1. Last evaluated: 2026-01-12. Review status: criteria provided, single submitter. Criteria: Invitae Variant Classification Sherloc (09022015). Collection method: clinical testing. Allele origin: germline.
Comment: This sequence change replaces valine, which is neutral and non-polar, with methionine, which is neutral and non-polar, at codon 236 of the SLC52A3 protein (p.Val236Met). This variant is present in population databases (no rsID available, gnomAD 0.0009%). This variant has not been reported in the literature in individuals affected with SLC52A3-related conditions. ClinVar contains an entry for this variant (Variation ID: 654493). Invitae Evidence Modeling of protein sequence and biophysical properties (such as structural, functional, and spatial information, amino acid conservation, physicochemical variation, residue mobility, and thermodynamic stability) has been performed for this missense variant. However, the output from this modeling did not meet the statistical confidence thresholds required to predict the impact of this variant on SLC52A3 protein function. Algorithms developed to predict the effect of sequence changes on RNA splicing suggest that this variant may create or strengthen a splice site. In summary, the available evidence is currently insufficient to determine the role of this variant in disease. Therefore, it has been classified as a Variant of Uncertain Significance.

Mayo Clinic Laboratories, Mayo Clinic
Classification: Uncertain significance. Last evaluated: 2024-09-17. Review status: criteria provided, single submitter. Criteria: ACMG Guidelines, 2015. Collection method: clinical testing. Allele origin: germline. Observed: 1 variant allele.
Comment: BP4

Ambry Genetics
Classification: Uncertain significance for Inborn genetic diseases. Last evaluated: 2022-03-25. Review status: criteria provided, single submitter. Criteria: Ambry Variant Classification Scheme 2023. Collection method: clinical testing. Allele origin: germline.
Comment: The p.V236M variant (also known as c.706G>A), located in coding exon 2 of the SLC52A3 gene, results from a G to A substitution at nucleotide position 706. The valine at codon 236 is replaced by methionine, an amino acid with highly similar properties. This amino acid position is poorly conserved in available vertebrate species. In addition, this alteration is predicted to be tolerated by in silico analysis. Since supporting evidence is limited at this time, the clinical significance of this alteration remains unclear.